The following is an entry in ClinVar:

NM_020937.4(FANCM):c.3382A>T (p.Thr1128Ser)

Gene: FANCM (FA complementation group M; plus strand). Cytogenetic location: 14q21.2.
Variant type: single nucleotide variant.
Coding change: c.3382A>T on transcript NM_020937.4 (MANE Select); coding-DNA position 3382, A replaced by T.
Protein change: p.Thr1128Ser; replaces threonine 1128 with serine.
Molecular consequence: missense variant.
Genome position (GRCh38, 1-based): chr14:45,176,136, A>T. VCF-style: chr14-45176136-A-T. GRCh37 (hg19) VCF-style: chr14-45645339-A-T.
Other names: c.3304A>T, p.Thr1102Ser (NM_001308133.2); short protein forms T1128S, T1102S.
Identifiers: ClinVar variation 2961306 (VCV002961306.4), dbSNP rs1888673355, ClinGen allele CA389601293.

ClinVar aggregate classification (germline): Uncertain significance. Review status: criteria provided, multiple submitters, no conflicts (2 of 4 stars). 2 submissions from 2 submitters: Uncertain significance (2). Last evaluated 2025-03-30.

Conditions:
Fanconi anemia (FA). Also called: Fanconi's anemia. Identifiers: Orphanet 84, MedGen C0015625, MeSH D005199, MONDO:0019391.
Inborn genetic diseases. Identifiers: MedGen C0950123, MeSH D030342.

Allele frequency attached by ClinVar (database versions not stated): gnomAD exomes 0.00001.
gnomAD v4.1: 6 of 1,614,052 alleles (0.00037%); highest among the groups gnomAD compares: East Asian, 0.013%; no homozygotes.

Submissions (2):

Ambry Genetics
Classification: Uncertain significance for Inborn genetic diseases. Last evaluated: 2025-03-30. Review status: criteria provided, single submitter. Criteria: Ambry Variant Classification Scheme 2023. Collection method: clinical testing. Allele origin: germline.
Comment: The p.T1128S variant (also known as c.3382A>T), located in coding exon 14 of the FANCM gene, results from an A to T substitution at nucleotide position 3382. The threonine at codon 1128 is replaced by serine, an amino acid with similar properties. This amino acid position is conserved. In addition, this alteration is predicted to be tolerated by in silico analysis. Based on the available evidence, the clinical significance of this variant remains unclear.

Labcorp Genetics (formerly Invitae), Labcorp
Classification: Uncertain significance for Fanconi anemia. Last evaluated: 2023-09-24. Review status: criteria provided, single submitter. Criteria: Invitae Variant Classification Sherloc (09022015). Collection method: clinical testing. Allele origin: germline.
Comment: Algorithms developed to predict the effect of missense changes on protein structure and function output the following: SIFT: "Not Available"; PolyPhen-2: "Benign"; Align-GVGD: "Not Available". The serine amino acid residue is found in multiple mammalian species, which suggests that this missense change does not adversely affect protein function. In summary, the available evidence is currently insufficient to determine the role of this variant in disease. Therefore, it has been classified as a Variant of Uncertain Significance. This variant has not been reported in the literature in individuals affected with FANCM-related conditions. This variant is not present in population databases (gnomAD no frequency). This sequence change replaces threonine, which is neutral and polar, with serine, which is neutral and polar, at codon 1128 of the FANCM protein (p.Thr1128Ser).